The following is an entry in ClinVar:

NC_000001.10:g.(?_145487304)_(145528345_?)dup

Genes: ITGA10 (integrin subunit alpha 10; minus strand), LIX1L (limb and CNS expressed 1 like; minus strand), PEX11B (peroxisomal biogenesis factor 11 beta; minus strand), RBM8A (RNA binding motif protein 8A; minus strand). Cytogenetic location: 1q21.1.
Variant type: Duplication.
Identifiers: ClinVar variation 833152 (VCV000833152.1).

ClinVar aggregate classification (germline): Uncertain significance (1 of 4 stars; one submission).

Submission:

Labcorp Genetics (formerly Invitae), Labcorp
Classification: Uncertain significance. Last evaluated: 2019-07-18. Review status: criteria provided, single submitter. Criteria: Invitae Variant Classification Sherloc (09022015). Collection method: clinical testing. Allele origin: germline.
Comment: This variant results in a copy number gain of the genomic region encompassing the full coding sequence of the PEX11B gene. The boundaries of this event are unknown as they extend beyond the assayed region for this gene and therefore may encompass additional genes. As the precise location of this event is unknown, it may be in tandem or it may be located elsewhere in the genome. This variant has not been reported in the literature in individuals with PEX11B-related conditions. In summary, the available evidence is currently insufficient to determine the role of this variant in disease. Therefore, it has been classified as a Variant of Uncertain Significance.